The following is an entry in ClinVar:

NM_024642.5(GALNT12):c.442G>T (p.Ala148Ser)

Gene: GALNT12 (polypeptide N-acetylgalactosaminyltransferase 12; plus strand). Cytogenetic location: 9q22.33.
Variant type: single nucleotide variant.
Coding change: c.442G>T on transcript NM_024642.5 (MANE Select); coding-DNA position 442, G replaced by T.
Protein change: p.Ala148Ser; replaces alanine 148 with serine.
Molecular consequence: missense variant.
Genome position (GRCh38, 1-based): chr9:98,823,326, G>T. VCF-style: chr9-98823326-G-T. GRCh37 (hg19) VCF-style: chr9-101585608-G-T.
Other names: short protein forms A148S.
Identifiers: ClinVar variation 824885 (VCV000824885.15), dbSNP rs751656135, ClinGen allele CA5153941.
Genomic context (GRCh38, chr9:98,823,326, plus strand): 5'-AAGAAATATGATTATGATAATTTGCCCAGGACATCTGTTATCATAGCATTTTATAATGAA[G>T]CCTGGTCAACTCTCCTTCGGACAGTTTACAGTGTCCTTGAGACATCCCCGGATATCCTGC-3'
Protein context (NP_078918.3, residues 138-158): TSVIIAFYNE[Ala148Ser]WSTLLRTVYS

ClinVar aggregate classification (germline): Uncertain significance. Review status: criteria provided, multiple submitters, no conflicts (2 of 4 stars). 3 submissions from 3 submitters: Uncertain significance (3). Last evaluated 2024-11-22.

Conditions:
Colorectal cancer, susceptibility to, 1. Also called: COLORECTAL ADENOMA AND CANCER, SUSCEPTIBILITY TO; COLORECTAL CANCER, SUSCEPTIBILITY TO, ON CHROMOSOME 9. Identifiers: MedGen C1837315, MONDO:0012132, OMIM 608812.

Allele frequency attached by ClinVar (database versions not stated): ExAC 0.00002; TOPMed 0.00002; gnomAD 0.00001; gnomAD exomes 0.00002.
gnomAD v4.1: 33 of 1,613,802 alleles (0.002%); highest among the groups gnomAD compares: Non-Finnish European, 0.0024%; no homozygotes.

Submissions (3):

Ambry Genetics
Classification: Uncertain significance. Last evaluated: 2024-11-22. Review status: criteria provided, single submitter. Criteria: Ambry Variant Classification Scheme 2023. Collection method: clinical testing. Allele origin: germline.
Comment: The p.A148S variant (also known as c.442G>T), located in coding exon 2 of the GALNT12 gene, results from a G to T substitution at nucleotide position 442. The alanine at codon 148 is replaced by serine, an amino acid with similar properties. This amino acid position is highly conserved in available vertebrate species. In addition, the in silico prediction for this alteration is inconclusive. Since supporting evidence is limited at this time, the clinical significance of this alteration remains unclear.

Baylor Genetics
Classification: Uncertain significance for Colorectal cancer, susceptibility to, 1. Last evaluated: 2024-02-04. Review status: criteria provided, single submitter. Criteria: ACMG Guidelines, 2015. Collection method: clinical testing. Allele origin: unknown.

Labcorp Genetics (formerly Invitae), Labcorp
Classification: Uncertain significance. Last evaluated: 2023-11-05. Review status: criteria provided, single submitter. Criteria: Invitae Variant Classification Sherloc (09022015). Collection method: clinical testing. Allele origin: germline.
Comment: This sequence change replaces alanine, which is neutral and non-polar, with serine, which is neutral and polar, at codon 148 of the GALNT12 protein (p.Ala148Ser). This variant is present in population databases (rs751656135, gnomAD 0.004%). This variant has not been reported in the literature in individuals affected with GALNT12-related conditions. ClinVar contains an entry for this variant (Variation ID: 824885). Advanced modeling of protein sequence and biophysical properties (such as structural, functional, and spatial information, amino acid conservation, physicochemical variation, residue mobility, and thermodynamic stability) performed at Invitae indicates that this missense variant is not expected to disrupt GALNT12 protein function with a negative predictive value of 80%. Algorithms developed to predict the effect of sequence changes on RNA splicing suggest that this variant may create or strengthen a splice site. In summary, the available evidence is currently insufficient to determine the role of this variant in disease. Therefore, it has been classified as a Variant of Uncertain Significance.